The following is an entry in ClinVar:

NM_004588.5(SCN2B):c.632A>G (p.Asp211Gly)

Gene: SCN2B (sodium voltage-gated channel beta subunit 2; minus strand). Cytogenetic location: 11q23.3.
Variant type: single nucleotide variant.
Coding change: c.632A>G on transcript NM_004588.5 (MANE Select); coding-DNA position 632, A replaced by G.
Protein change: p.Asp211Gly; replaces aspartic acid 211 with glycine.
Molecular consequence: missense variant.
Genome position (GRCh38, 1-based): chr11:118,166,903, T>C on the plus strand (A>G on the coding strand, the complement: SCN2B is on the minus strand). VCF-style: chr11-118166903-T-C. GRCh37 (hg19) VCF-style: chr11-118037618-T-C.
Other names: short protein forms D211G.
Identifiers: ClinVar variation 60776 (VCV000060776.15), dbSNP rs587777023, ClinGen allele CA144672.

ClinVar aggregate classification (germline): Uncertain significance. Review status: criteria provided, multiple submitters, no conflicts (2 of 4 stars). 4 submissions from 4 submitters: Uncertain significance (3). 1 of the submissions does not count toward it. Last evaluated 2025-12-01.

Conditions:
Cardiovascular phenotype. Identifiers: MedGen CN230736.
Atrial fibrillation, familial, 14 (ATFB14). Identifiers: MedGen C3809312, MONDO:0014156, OMIM 615378.
Variant of unknown significance. Identifiers: MedGen C2986382.

Allele frequency attached by ClinVar (database versions not stated): gnomAD 0.00002; TOPMed 0.00002; ExAC 0.00002; gnomAD exomes 0.00001.

Submissions (4):

Ambry Genetics
Classification: Uncertain significance for Cardiovascular phenotype. Last evaluated: 2025-12-01. Review status: criteria provided, single submitter. Criteria: Ambry Variant Classification Scheme 2023. Collection method: clinical testing. Allele origin: germline.
Comment: The p.D211G variant (also known as c.632A>G), located in coding exon 4 of the SCN2B gene, results from an A to G substitution at nucleotide position 632. The aspartic acid at codon 211 is replaced by glycine, an amino acid with similar properties. This alteration was reported in a subject with Brugada syndrome, but was also seen in family members with nonspecific symptoms or who were unaffected (Riur&oacute; H et al. Hum. Mutat., 2013 Jul;34:961-6). This alteration may have an impact in protein function (Riur&oacute; H et al. Hum. Mutat., 2013 Jul;34:961-6; Dulsat G et al. Biol. Cell, 2017 Jul;109:273-291). This amino acid position is not well conserved in available vertebrate species, and glycine is the reference amino acid in other vertebrate species. In addition, this alteration is predicted to be tolerated by in silico analysis. Since supporting evidence is limited at this time, the clinical significance of this alteration remains unclear.

Labcorp Genetics (formerly Invitae), Labcorp
Classification: Uncertain significance for Atrial fibrillation, familial, 14. Last evaluated: 2024-05-31. Review status: criteria provided, single submitter. Criteria: Invitae Variant Classification Sherloc (09022015). Collection method: clinical testing. Allele origin: germline.
Comment: This sequence change replaces aspartic acid, which is acidic and polar, with glycine, which is neutral and non-polar, at codon 211 of the SCN2B protein (p.Asp211Gly). This variant is present in population databases (rs587777023, gnomAD 0.002%). This missense change has been observed in individual(s) with Brugada syndrome (PMID: 23559163). ClinVar contains an entry for this variant (Variation ID: 60776). An algorithm developed to predict the effect of missense changes on protein structure and function (PolyPhen-2) suggests that this variant is likely to be tolerated. Experimental studies have shown that this missense change affects SCN2B function (PMID: 23559163, 28597987). Algorithms developed to predict the effect of sequence changes on RNA splicing suggest that this variant may create or strengthen a splice site. In summary, the available evidence is currently insufficient to determine the role of this variant in disease. Therefore, it has been classified as a Variant of Uncertain Significance.

Breakthrough Genomics
Classification: Uncertain significance. Review status: criteria provided, single submitter. Criteria: ACMG Guidelines, 2015. Collection method: not provided. Allele origin: germline. Inheritance: Autosomal dominant inheritance. Affected: yes.

OMIM
Classification: Uncertain significance for VARIANT OF UNKNOWN SIGNIFICANCE. Last evaluated: 2013-07-01. Review status: no assertion criteria provided. Collection method: literature only. Allele origin: germline. Not counted in ClinVar's aggregate classification.

Literature cited by the submitters: PubMed 23559163 (cited by 3 submitters); PubMed 28597987 (cited by Ambry Genetics and Labcorp Genetics (formerly Invitae), Labcorp); PubMed 30662450 (cited by Ambry Genetics).